The following is an entry in ClinVar:

ClinVar aggregate classification (germline): Likely benign (1 of 4 stars; one submission).

Allele frequency attached by ClinVar (database versions not stated): gnomAD 0.00004; TOPMed 0.00004; gnomAD exomes 0.00014.

Submissions (2):

GeneDx
Classification: Likely benign. Last evaluated: 2016-10-07. Review status: criteria provided, single submitter. Criteria: GeneDx Variant Classification (06012015). Collection method: clinical testing. Allele origin: germline. Affected: yes.
Comment: This variant is considered likely benign or benign based on one or more of the following criteria: it is a conservative change, it occurs at a poorly conserved position in the protein, it is predicted to be benign by multiple in silico algorithms, and/or has population frequency not consistent with disease.

Seelig Lab, University of Washington
No classification provided (evidence only). Review status: no classification provided. Collection method: in vitro. Allele origin: not applicable. Functional consequence: effect on translation. Not counted in ClinVar's aggregate classification.
ClinVar note: "not provided" was previously submitted as the classification for the variant. However, the classification appeared to be based only on an observation of functional data so it was converted to no classification on 2025-07-30.

NM_030662.4(MAP2K2):c.-47A>G

Genes: MAP2K2 (mitogen-activated protein kinase kinase 2; minus strand), LOC130063193 (ATAC-STARR-seq lymphoblastoid silent region 9881; plus strand). Cytogenetic location: 19p13.3.
Variant type: single nucleotide variant.
Coding change: c.-47A>G on transcript NM_030662.4 (MANE Select); 47 bases upstream of the start codon, A replaced by G.
Molecular consequence: 5 prime UTR variant.
Genome position (GRCh38, 1-based): chr19:4,123,922, T>C on the plus strand (A>G on the coding strand, the complement: MAP2K2 is on the minus strand). VCF-style: chr19-4123922-T-C. GRCh37 (hg19) VCF-style: chr19-4123919-T-C.
Identifiers: ClinVar variation 378939 (VCV000378939.3), dbSNP rs1057520422, ClinGen allele CA16608254.